The following is an entry in ClinVar:

ClinVar aggregate classification (germline): Uncertain significance (1 of 4 stars; one submission).

gnomAD v4.1: 39 of 1,590,550 alleles (0.0025%); highest among the groups gnomAD compares: Non-Finnish European, 0.003%; 1 homozygote.

Submission:

CeGaT Center for Human Genetics Tuebingen
Classification: Uncertain significance. Last evaluated: 2025-11-01. Review status: criteria provided, single submitter. Criteria: CeGaT Center For Human Genetics Tuebingen Variant Classification Criteria Version 2. Collection method: clinical testing. Allele origin: germline. Affected: yes. Observed: 1 variant allele.
Comment: TENM4: PP3

NM_001098816.3(TENM4):c.5068G>A (p.Gly1690Arg)

Gene: TENM4 (teneurin transmembrane protein 4; minus strand). Cytogenetic location: 11q14.1.
Variant type: single nucleotide variant.
Coding change: c.5068G>A on transcript NM_001098816.3 (MANE Select); coding-DNA position 5068, G replaced by A.
Protein change: p.Gly1690Arg; replaces glycine 1690 with arginine.
Molecular consequence: missense variant.
Genome position (GRCh38, 1-based): chr11:78,701,545, C>T on the plus strand (G>A on the coding strand, the complement: TENM4 is on the minus strand). VCF-style: chr11-78701545-C-T. GRCh37 (hg19) VCF-style: chr11-78412590-C-T.
Other names: short protein forms G1690R.
Identifiers: ClinVar variation 4533840 (VCV004533840.6).